The following is an entry in ClinVar:

ClinVar aggregate classification (germline): Uncertain significance (1 of 4 stars; one submission).

Conditions:
Peroxisome biogenesis disorder, complementation group 7 (CG7). Also called: Peroxisome biogenesis disorder, complementation group B. Identifiers: MedGen C1864399.

Allele frequency attached by ClinVar (database versions not stated): gnomAD exomes below 0.00001.
gnomAD v4.1: 1 of 1,389,010 alleles (0.000072%); highest among the groups gnomAD compares: Admixed American, 0.0032%; no homozygotes.

Submission:

Labcorp Genetics (formerly Invitae), Labcorp
Classification: Uncertain significance for Peroxisome biogenesis disorder, complementation group 7. Last evaluated: 2021-07-09. Review status: criteria provided, single submitter. Criteria: Invitae Variant Classification Sherloc (09022015). Collection method: clinical testing. Allele origin: germline.
Comment: This sequence change replaces proline with histidine at codon 8 of the PEX10 protein (p.Pro8His). The proline residue is moderately conserved and there is a moderate physicochemical difference between proline and histidine. The frequency data for this variant in the population databases is considered unreliable, as metrics indicate insufficient coverage at this position in the ExAC database. This variant has not been reported in the literature in individuals with PEX10-related conditions. Algorithms developed to predict the effect of missense changes on protein structure and function are either unavailable or do not agree on the potential impact of this missense change (SIFT: "Tolerated"; PolyPhen-2: "Possibly Damaging"; Align-GVGD: "Class C0"). In summary, the available evidence is currently insufficient to determine the role of this variant in disease. Therefore, it has been classified as a Variant of Uncertain Significance.

NM_002617.4(PEX10):c.23C>A (p.Pro8His)

Gene: PEX10 (peroxisomal biogenesis factor 10; minus strand). Cytogenetic location: 1p36.32.
Variant type: single nucleotide variant.
Coding change: c.23C>A on transcript NM_002617.4 (MANE Select); coding-DNA position 23, C replaced by A.
Protein change: p.Pro8His; replaces proline 8 with histidine.
Molecular consequence: missense variant. On other transcripts: intron variant (2).
Genome position (GRCh38, 1-based): chr1:2,412,480, G>T on the plus strand (C>A on the coding strand, the complement: PEX10 is on the minus strand). VCF-style: chr1-2412480-G-T. GRCh37 (hg19) VCF-style: chr1-2343919-G-T.
Other names: c.23C>A, p.Pro8His (NM_001374425.1, NM_153818.2); c.-321+1117C>A (NM_001374427.1, NM_001374426.1); short protein forms P8H.
Identifiers: ClinVar variation 1437790 (VCV001437790.8), dbSNP rs2100441590, ClinGen allele CA337990718.